The following is an entry in ClinVar:

NM_153676.4(USH1C):c.2503C>T (p.Leu835Phe)

Gene: USH1C (USH1 protein network component harmonin; minus strand). Cytogenetic location: 11p15.1.
Variant type: single nucleotide variant.
Coding change: c.2503C>T on transcript NM_153676.4 (MANE Select); coding-DNA position 2503, C replaced by T.
Protein change: p.Leu835Phe; replaces leucine 835 with phenylalanine.
Molecular consequence: missense variant. On other transcripts: non-coding transcript variant (1).
Genome position (GRCh38, 1-based): chr11:17,496,801, G>A on the plus strand (C>T on the coding strand, the complement: USH1C is on the minus strand). VCF-style: chr11-17496801-G-A. GRCh37 (hg19) VCF-style: chr11-17518348-G-A.
Other names: c.1546C>T, p.Leu516Phe (NM_001297764.2); c.1603C>T, p.Leu535Phe (NM_005709.4); short protein forms L516F, L835F, L535F.
Identifiers: ClinVar variation 2082549 (VCV002082549.4), dbSNP rs780784680, ClinGen allele CA5904126.

ClinVar aggregate classification (germline): Uncertain significance (1 of 4 stars; one submission).

Allele frequency attached by ClinVar (database versions not stated): gnomAD exomes 0.00001; ExAC 0.00002; gnomAD 0.00002; TOPMed 0.00002.
gnomAD v4.1: 18 of 1,614,076 alleles (0.0011%); highest among the groups gnomAD compares: East Asian, 0.0022%; no homozygotes.

Submission:

Labcorp Genetics (formerly Invitae), Labcorp
Classification: Uncertain significance. Last evaluated: 2023-12-07. Review status: criteria provided, single submitter. Criteria: Invitae Variant Classification Sherloc (09022015). Collection method: clinical testing. Allele origin: germline.
Comment: This sequence change replaces leucine, which is neutral and non-polar, with phenylalanine, which is neutral and non-polar, at codon 535 of the USH1C protein (p.Leu535Phe). This variant is present in population databases (rs780784680, gnomAD 0.003%). This variant has not been reported in the literature in individuals affected with USH1C-related conditions. ClinVar contains an entry for this variant (Variation ID: 2082549). An algorithm developed to predict the effect of missense changes on protein structure and function (PolyPhen-2) suggests that this variant is likely to be disruptive. In summary, the available evidence is currently insufficient to determine the role of this variant in disease. Therefore, it has been classified as a Variant of Uncertain Significance.